The following is an entry in ClinVar:

NM_016333.4(SRRM2):c.6200C>G (p.Ser2067Cys)

Gene: SRRM2 (serine/arginine repetitive matrix 2; plus strand). Cytogenetic location: 16p13.3.
Variant type: single nucleotide variant.
Coding change: c.6200C>G on transcript NM_016333.4 (MANE Select); coding-DNA position 6200, C replaced by G.
Protein change: p.Ser2067Cys; replaces serine 2067 with cysteine.
Molecular consequence: missense variant.
Genome position (GRCh38, 1-based): chr16:2,766,728, C>G. VCF-style: chr16-2766728-C-G. GRCh37 (hg19) VCF-style: chr16-2816729-C-G.
Other names: short protein forms S2067C.
Identifiers: ClinVar variation 4072734 (VCV004072734.1).

ClinVar aggregate classification (germline): Uncertain significance (1 of 4 stars; one submission).

Submission:

GeneDx
Classification: Uncertain significance. Last evaluated: 2025-01-31. Review status: criteria provided, single submitter. Criteria: GeneDx Variant Classification Process June 2021. Collection method: clinical testing. Allele origin: germline. Affected: yes.
Comment: Not observed at significant frequency in large population cohorts (gnomAD); In silico analysis indicates that this missense variant does not alter protein structure/function; Has not been previously published as pathogenic or benign to our knowledge